The following is an entry in ClinVar:

NM_001848.3(COL6A1):c.1659_1667dup (p.Pro555_Asp557dup)

Gene: COL6A1 (collagen type VI alpha 1 chain; plus strand). Cytogenetic location: 21q22.3.
Variant type: Duplication.
Coding change: c.1659_1667dup on transcript NM_001848.3 (MANE Select); coding-DNA positions 1659 to 1667, 9 bases duplicated (GGACCCCGG; older notation c.1659_1667dupGGACCCCGG).
Protein change: p.Pro555_Asp557dup.
Molecular consequence: inframe insertion.
Genome position (GRCh38, 1-based): chr21:45,998,944-45,998,952, GGACCCCGG duplicated; duplicating any 9 consecutive bases within chr21:45,998,940-45,998,952 gives the same sequence; the c. name uses the placement nearest the transcript's 3' end. VCF-style (leftmost placement, unchanged base first): chr21-45998939-G-GCCGGGGACC. GRCh37 (hg19) VCF-style: chr21-47418853-G-GCCGGGGACC.
Identifiers: ClinVar variation 1687278 (VCV001687278.1), dbSNP rs2123484082, ClinGen allele CA2573157621.

ClinVar aggregate classification (germline): Uncertain significance (1 of 4 stars; one submission).

Conditions:
Bethlem myopathy 1A. Also called: Bethlem Muscular Dystrophy; MYOPATHY, BENIGN CONGENITAL, WITH CONTRACTURES; Bethlem myopathy 1. Identifiers: Orphanet 610, MedGen CN029274, MONDO:0024530, OMIM 158810.

Submission:

3billion
Classification: Uncertain significance for Bethlem myopathy 1A. Last evaluated: 2022-05-22. Review status: criteria provided, single submitter. Criteria: ACMG Guidelines, 2015. Collection method: clinical testing. Allele origin: germline. Affected: yes. Observed: 1 heterozygote.
Comment: The variant is not observed in the gnomAD v2.1.1 dataset. Inframe insertion located in a nonrepeat region: predicted to change the length of the protein and disrupt normal protein function. Therefore, this variant is classified as uncertain significanceaccording to the recommendation of ACMG/AMP guideline.